The following is an entry in ClinVar:

ClinVar aggregate classification (germline): Uncertain significance (1 of 4 stars; one submission).

Conditions:
CYCS-related disorder. Also called: CYCS-related condition.

Submission:

PreventionGenetics, part of Exact Sciences
Classification: Uncertain significance for CYCS-related condition. Last evaluated: 2025-08-28. Review status: criteria provided, single submitter. Criteria: ACMG Guidelines, 2015. Collection method: clinical testing. Allele origin: germline.
Comment: The CYCS c.101A>T variant is predicted to result in the amino acid substitution p.His34Leu. To our knowledge, this variant has not been reported in the literature or in a large population database (gnomAD), indicating this variant is rare. At this time, the clinical significance of this variant is uncertain due to the absence of conclusive functional and genetic evidence.

NM_018947.6(CYCS):c.101A>T (p.His34Leu)

Gene: CYCS (cytochrome c, somatic; minus strand). Cytogenetic location: 7p15.3.
Variant type: single nucleotide variant.
Coding change: c.101A>T on transcript NM_018947.6 (MANE Select); coding-DNA position 101, A replaced by T.
Protein change: p.His34Leu; replaces histidine 34 with leucine.
Molecular consequence: missense variant.
Genome position (GRCh38, 1-based): chr7:25,124,019, T>A on the plus strand (A>T on the coding strand, the complement: CYCS is on the minus strand). VCF-style: chr7-25124019-T-A. GRCh37 (hg19) VCF-style: chr7-25163638-T-A.
Other names: short protein forms H34L.
Identifiers: ClinVar variation 4994013 (VCV004994013.1).
Genomic context (GRCh38, chr7:25,124,019, plus strand): 5'-TTATTGGCGGCTGTGTAAGAGTATCCAGGGGCCTGACCTGTCTTCCGCCCAAAGAGACCA[T>A]GGAGATTTGGCCCAGTCTTGTGCTTGCCTCCCTTTTCAACGGTGTGGCACTGGGAACACT-3'
Protein context (NP_061820.1, residues 24-44): GGKHKTGPNL[His34Leu]GLFGRKTGQA